The following is an entry in ClinVar:

ClinVar aggregate classification (germline): Pathogenic (1 of 4 stars; one submission).

Conditions:
Immunodeficiency 104. Also called: Severe combined immunodeficiency, autosomal recessive, T cell-negative, B cell-positive, NK cell-positive; IMMUNODEFICIENCY 104, SEVERE COMBINED; SCID, AUTOSOMAL RECESSIVE, T CELL-NEGATIVE, B CELL-POSITIVE, NK CELL-POSITIVE; Severe Combined Immune Deficiency, Autosomal Recessive, TCell -Negative, B Cell-Positive, NK Cell-Positive, IL7R-Related. Identifiers: MedGen C5676890, MONDO:0012163, OMIM 608971.

Submission:

Labcorp Genetics (formerly Invitae), Labcorp
Classification: Pathogenic for Immunodeficiency 104. Last evaluated: 2020-05-20. Review status: criteria provided, single submitter. Criteria: Invitae Variant Classification Sherloc (09022015). Collection method: clinical testing. Allele origin: germline.
Comment: For these reasons, this variant has been classified as Pathogenic. Loss-of-function variants in IL7R are known to be pathogenic (PMID: 21664875, 26123418). This variant has not been reported in the literature in individuals with IL7R-related conditions. This variant is a gross deletion of the genomic region encompassing exon(s) 1 of the IL7R gene, which includes the initiator codon. The 5' end of this event is unknown as it extends beyond the assayed region for this gene and therefore may encompass additional genes. The 3' boundary is likely confined to intron 1 of the IL7R gene. This is expected to result in an absent or disrupted protein product.

Literature cited by the submitters: PubMed 21664875; PubMed 26123418.

NC_000005.9:g.(?_35857060)_(35857181_?)del

Gene: IL7R (interleukin 7 receptor; plus strand). Cytogenetic location: 5p13.2.
Variant type: Deletion.
Identifiers: ClinVar variation 1073963 (VCV001073963.7).